The following is an entry in ClinVar:

NM_000179.3(MSH6):c.1684G>T (p.Asp562Tyr)

Gene: MSH6 (mutS homolog 6; plus strand). Cytogenetic location: 2p16.3.
Variant type: single nucleotide variant.
Coding change: c.1684G>T on transcript NM_000179.3 (MANE Select); coding-DNA position 1684, G replaced by T.
Protein change: p.Asp562Tyr; replaces aspartic acid 562 with tyrosine.
Molecular consequence: missense variant. On other transcripts: non-coding transcript variant (4), intron variant (2).
Genome position (GRCh38, 1-based): chr2:47,799,667, G>T. VCF-style: chr2-47799667-G-T. GRCh37 (hg19) VCF-style: chr2-48026806-G-T.
Other names: c.1294G>T, p.Asp432Tyr (NM_001281492.2); c.778G>T, p.Asp260Tyr (NM_001281493.2, NM_001281494.2, NM_001406811.1 and 6 more transcripts); c.1780G>T, p.Asp594Tyr (NM_001406795.1, NM_001406802.1); c.1684G>T, p.Asp562Tyr (NM_001406796.1, NM_001406798.1, NM_001406800.1 and 3 more transcripts); c.1387G>T, p.Asp463Tyr (NM_001406797.1, NM_001406801.1, NM_001406805.1 and 10 more transcripts); c.1159G>T, p.Asp387Tyr (NM_001406799.1, NM_001406806.1, NM_001406807.1); c.1606G>T, p.Asp536Tyr (NM_001406804.1); c.1690G>T, p.Asp564Tyr (NM_001406813.1); and 3 more; short protein forms D562Y, D564Y, D432Y, D506Y, D594Y, D387Y, D536Y, D260Y.
Identifiers: ClinVar variation 4795612 (VCV004795612.1).

ClinVar aggregate classification (germline): Uncertain significance (1 of 4 stars; one submission).

Submission:

GeneDx
Classification: Uncertain significance. Last evaluated: 2025-08-11. Review status: criteria provided, single submitter. Criteria: GeneDx Variant Classification Process June 2021. Collection method: clinical testing. Allele origin: germline. Affected: yes.
Comment: Not observed at significant frequency in large population cohorts (gnomAD); In silico analysis supports that this missense variant has a deleterious effect on protein structure/function; Has not been previously published as pathogenic or benign to our knowledge; This variant is associated with the following publications: (PMID: 21120944, 17531815)